The following is an entry in ClinVar:

ClinVar aggregate classification (germline): Uncertain significance (1 of 4 stars; one submission).

Allele frequency attached by ClinVar (database versions not stated): gnomAD 0.00001; TOPMed 0.00001.
gnomAD v4.1: 4 of 1,551,786 alleles (0.00026%); highest among the groups gnomAD compares: Non-Finnish European, 0.00035%; no homozygotes.

Submission:

Labcorp Genetics (formerly Invitae), Labcorp
Classification: Uncertain significance. Last evaluated: 2021-11-18. Review status: criteria provided, single submitter. Criteria: Invitae Variant Classification Sherloc (09022015). Collection method: clinical testing. Allele origin: germline.
Comment: This sequence change replaces isoleucine, which is neutral and non-polar, with lysine, which is basic and polar, at codon 37 of the DTHD1 protein (p.Ile37Lys). In summary, the available evidence is currently insufficient to determine the role of this variant in disease. Therefore, it has been classified as a Variant of Uncertain Significance. Algorithms developed to predict the effect of missense changes on protein structure and function are either unavailable or do not agree on the potential impact of this missense change (SIFT: "Deleterious"; PolyPhen-2: "Probably Damaging"; Align-GVGD: "Class C0"). This variant has not been reported in the literature in individuals affected with DTHD1-related conditions. This variant is not present in population databases (gnomAD no frequency).

NM_001170700.3(DTHD1):c.980T>A (p.Ile327Lys)

Gene: DTHD1 (death domain containing 1; plus strand). Cytogenetic location: 4p14.
Variant type: single nucleotide variant.
Coding change: c.980T>A on transcript NM_001170700.3 (MANE Select); coding-DNA position 980, T replaced by A.
Protein change: p.Ile327Lys; replaces isoleucine 327 with lysine.
Molecular consequence: missense variant. On other transcripts: non-coding transcript variant (2).
Genome position (GRCh38, 1-based): chr4:36,290,465, T>A. VCF-style: chr4-36290465-T-A. GRCh37 (hg19) VCF-style: chr4-36292087-T-A.
Other names: c.110T>A, p.Ile37Lys (NM_001136536.5, NM_001378435.1); short protein forms I37K, I327K.
Identifiers: ClinVar variation 1461800 (VCV001461800.6), dbSNP rs994537356, ClinGen allele CA95767288.
Genomic context (GRCh38, chr4:36,290,465, plus strand): 5'-CCCAAGTGTCTTGTTATATTACAGCACCATCATATGTTCTACAACAACTAGAATGCCGGA[T>A]AATAAATCACATGAGTTCTTTAATAGTGGGTGATAATGAAGAGTTAGTTAGCAACGTCAT-3'
Protein context (NP_001164171.2, residues 317-337): SYVLQQLECR[Ile327Lys]INHMSSLIVG